The following is an entry in ClinVar:

NM_007294.4(BRCA1):c.4069G>T (p.Glu1357Ter)

Genes: BRCA1 (BRCA1 DNA repair associated; minus strand), LOC126862571 (BRD4-independent group 4 enhancer GRCh37_chr17:41243136-41244335; plus strand). Cytogenetic location: 17q21.31.
Variant type: single nucleotide variant.
Coding change: c.4069G>T on transcript NM_007294.4 (MANE Select); coding-DNA position 4069, G replaced by T.
Protein change: p.Glu1357Ter; replaces glutamic acid 1357 with a stop codon.
Molecular consequence: nonsense. On other transcripts: intron variant (135).
Genome position (GRCh38, 1-based): chr17:43,091,462, C>A on the plus strand (G>T on the coding strand, the complement: BRCA1 is on the minus strand). VCF-style: chr17-43091462-C-A. GRCh37 (hg19) VCF-style: chr17-41243479-C-A.
Other names: E1357X (4188G>T); c.3736G>T, p.Glu1246Ter (NM_001407951.1, NM_001407952.1, NM_001407953.1 and 6 more transcripts); c.3733G>T, p.Glu1245Ter (NM_001407954.1, NM_001407955.1, NM_001407956.1 and 1 more transcripts); c.3688G>T, p.Glu1230Ter (NM_001407959.1, NM_001407960.1, NM_001407963.1); c.3685G>T, p.Glu1229Ter (NM_001407962.1); c.3925G>T, p.Glu1309Ter (NM_001407964.1, NM_001407740.1, NM_001407741.1 and 20 more transcripts); c.3565G>T, p.Glu1189Ter (NM_001407965.1); c.3181G>T, p.Glu1061Ter (NM_001407966.1, NM_001407967.1); and 42 more; short protein forms E1357*, E1310*, E1230*, E1269*, E1289*, E1309*, E1229*, E1246*.
Identifiers: ClinVar variation 266437 (VCV000266437.14), dbSNP rs886040195, ClinGen allele CA10589695.

ClinVar aggregate classification (germline): Pathogenic. Review status: reviewed by expert panel (3 of 4 stars). 7 submissions from 7 submitters: Pathogenic (1). 6 of the submissions do not count toward it. Last evaluated 2016-10-18.

Conditions:
Hereditary breast ovarian cancer syndrome. Also called: Hereditary breast and ovarian cancer syndrome (HBOC); Breast and ovarian cancer; Hereditary breast and ovarian cancer syndrome; Hereditary breast and ovarian cancer; BRCA1- and BRCA2-Associated Hereditary Breast and Ovarian Cancer; Hereditary breast and/or ovarian cancer syndrome. Identifiers: Orphanet 145, MedGen C0677776, MeSH D061325, MONDO:0003582. Disease mechanism: loss of function.
Breast-ovarian cancer, familial, susceptibility to, 1 (BROVCA1). Also called: BRCA1 Hereditary Breast and Ovarian Cancer; OVARIAN CANCER, SUSCEPTIBILITY TO. Identifiers: Orphanet 145, MedGen C2676676, MONDO:0011450, OMIM 604370. Disease mechanism: loss of function.
Hereditary cancer-predisposing syndrome. Also called: Hereditary Cancer Syndrome; Neoplastic Syndromes, Hereditary; Hereditary neoplastic syndrome; Tumor predisposition. Identifiers: Orphanet 140162, MedGen C0027672, MeSH D009386, MONDO:0015356.

Submissions (7):

Evidence-based Network for the Interpretation of Germline Mutant Alleles (ENIGMA)
Classification: Pathogenic for Breast-ovarian cancer, familial, susceptibility to, 1. Last evaluated: 2016-10-18. Review status: reviewed by expert panel. Criteria: ENIGMA BRCA1/2 Classification Criteria (2015). Collection method: curation. Allele origin: germline.
Comment: Variant allele predicted to encode a truncated non-functional protein.

Quest Diagnostics Nichols Institute San Juan Capistrano
Classification: Pathogenic. Last evaluated: 2024-06-18. Review status: criteria provided, single submitter. Criteria: Quest Diagnostics criteria. Collection method: clinical testing. Allele origin: unknown. Not counted in ClinVar's aggregate classification.
Comment: The BRCA1 c.4069G>T (p.Glu1357*) variant causes the premature termination of BRCA1 protein synthesis. This variant has been reported in the published literature in in an individual with ovarian cancer (PMID: 28831036 (2017)). This variant has not been reported in large, multi-ethnic general populations (Genome Aggregation Database). Based on the available information, this variant is classified as pathogenic.

Labcorp Genetics (formerly Invitae), Labcorp
Classification: Pathogenic for Hereditary breast ovarian cancer syndrome. Last evaluated: 2024-05-18. Review status: criteria provided, single submitter. Criteria: Invitae Variant Classification Sherloc (09022015). Collection method: clinical testing. Allele origin: germline. Not counted in ClinVar's aggregate classification.
Comment: This sequence change creates a premature translational stop signal (p.Glu1357*) in the BRCA1 gene. It is expected to result in an absent or disrupted protein product. Loss-of-function variants in BRCA1 are known to be pathogenic (PMID: 20104584). This variant is not present in population databases (gnomAD no frequency). This premature translational stop signal has been observed in individual(s) with breast and/or ovarian cancer (PMID: 28831036). ClinVar contains an entry for this variant (Variation ID: 266437). Algorithms developed to predict the effect of sequence changes on RNA splicing suggest that this variant may disrupt the consensus splice site. For these reasons, this variant has been classified as Pathogenic.

Baylor Genetics
Classification: Pathogenic for Breast-ovarian cancer, familial, susceptibility to, 1. Last evaluated: 2023-04-14. Review status: criteria provided, single submitter. Criteria: ACMG Guidelines, 2015. Collection method: clinical testing. Allele origin: unknown. Not counted in ClinVar's aggregate classification.

Ambry Genetics
Classification: Pathogenic for Hereditary cancer-predisposing syndrome. Last evaluated: 2022-03-09. Review status: criteria provided, single submitter. Criteria: Ambry Variant Classification Scheme 2023. Collection method: clinical testing. Allele origin: germline. Not counted in ClinVar's aggregate classification.
Comment: The p.E1357* pathogenic mutation (also known as c.4069G>T), located in coding exon 9 of the BRCA1 gene, results from a G to T substitution at nucleotide position 4069. This changes the amino acid from a glutamic acid to a stop codon within coding exon 9. This alteration was identified in an individual diagnosed with ovarian cancer (Maxwell KN et al. Nat Commun, 2017 08;8:319). This alteration was also identified in a large, worldwide study of BRCA1/2 mutation positive families (Rebbeck TR et al. Hum Mutat, 2018 05;39:593-620). This variant is considered to be rare based on population cohorts in the Genome Aggregation Database (gnomAD). In addition to the clinical data presented in the literature, this alteration is expected to result in loss of function by premature protein truncation or nonsense-mediated mRNA decay. As such, this alteration is interpreted as a disease-causing mutation.

Consortium of Investigators of Modifiers of BRCA1/2 (CIMBA), c/o University of Cambridge
Classification: Pathogenic for Breast-ovarian cancer, familial, susceptibility to, 1. Last evaluated: 2015-10-02. Review status: criteria provided, single submitter. Criteria: CIMBA Mutation Classification guidelines May 2016. Collection method: clinical testing. Allele origin: germline. Not counted in ClinVar's aggregate classification.

BRCAlab, Lund University
Classification: Pathogenic for Breast-ovarian cancer, familial, susceptibility to, 1. Last evaluated: 2020-03-02. Review status: no assertion criteria provided. Collection method: clinical testing. Allele origin: germline. Affected: yes. Not counted in ClinVar's aggregate classification.

Literature cited by the submitters: PubMed 29446198 (cited by Quest Diagnostics Nichols Institute San Juan Capistrano and Ambry Genetics); PubMed 28831036 (cited by 3 submitters); PubMed 20104584 (cited by Labcorp Genetics (formerly Invitae), Labcorp).